The following is an entry in ClinVar:

NM_000388.4(CASR):c.3087A>T (p.Glu1029Asp)

Gene: CASR (calcium sensing receptor; plus strand). Cytogenetic location: 3q21.1.
Variant type: single nucleotide variant.
Coding change: c.3087A>T on transcript NM_000388.4 (MANE Select); coding-DNA position 3087, A replaced by T.
Protein change: p.Glu1029Asp; replaces glutamic acid 1029 with aspartic acid.
Molecular consequence: missense variant.
Genome position (GRCh38, 1-based): chr3:122,285,041, A>T. VCF-style: chr3-122285041-A-T. GRCh37 (hg19) VCF-style: chr3-122003888-A-T.
Other names: c.3117A>T, p.Glu1039Asp (NM_001178065.2); short protein forms E1029D, E1039D.
Identifiers: ClinVar variation 1058336 (VCV001058336.7), dbSNP rs200786703, ClinGen allele CA2569931.

ClinVar aggregate classification (germline): Uncertain significance (1 of 4 stars; one submission).

Conditions:
Autosomal dominant hypocalcemia 1 (HYPOC1). Also called: HYPOCALCEMIA, FAMILIAL. Identifiers: MedGen C3715128, MONDO:0011013, OMIM 601198.
Familial hypocalciuric hypercalcemia (FHH). Also called: Familial benign hypercalcemia. Identifiers: Orphanet 405, MedGen C1809471, MONDO:0018458.

Allele frequency attached by ClinVar (database versions not stated): gnomAD exomes below 0.00001; ExAC 0.00001; gnomAD 0.00001; 1000 Genomes Project 0.00020; 1000 Genomes Project 30x 0.00031.
gnomAD v4.1: 1 of 1,614,168 alleles (0.000062%); highest among the groups gnomAD compares: Admixed American, 0.0017%; no homozygotes.

Submission:

Labcorp Genetics (formerly Invitae), Labcorp
Classification: Uncertain significance for Familial hypocalciuric hypercalcemia; Autosomal dominant hypocalcemia 1. Last evaluated: 2024-11-27. Review status: criteria provided, single submitter. Criteria: Invitae Variant Classification Sherloc (09022015). Collection method: clinical testing. Allele origin: germline.
Comment: This sequence change replaces glutamic acid, which is acidic and polar, with aspartic acid, which is acidic and polar, at codon 1029 of the CASR protein (p.Glu1029Asp). This variant is not present in population databases (gnomAD no frequency). This variant has not been reported in the literature in individuals affected with CASR-related conditions. ClinVar contains an entry for this variant (Variation ID: 1058336). An algorithm developed to predict the effect of missense changes on protein structure and function outputs the following: PolyPhen-2: "Benign". The aspartic acid amino acid residue is found in multiple mammalian species, which suggests that this missense change does not adversely affect protein function. In summary, the available evidence is currently insufficient to determine the role of this variant in disease. Therefore, it has been classified as a Variant of Uncertain Significance.